The following is an entry in ClinVar:

ClinVar aggregate classification (germline): Uncertain significance (1 of 4 stars; one submission).

Allele frequency attached by ClinVar (database versions not stated): gnomAD 0.00001; TOPMed 0.00003; ESP Exome Variant Server 0.00015.
gnomAD v4.1: 6 of 1,613,370 alleles (0.00037%); highest among the groups gnomAD compares: Non-Finnish European, 0.00042%; no homozygotes.

Submission:

Labcorp Genetics (formerly Invitae), Labcorp
Classification: Uncertain significance. Last evaluated: 2024-12-11. Review status: criteria provided, single submitter. Criteria: Invitae Variant Classification Sherloc (09022015). Collection method: clinical testing. Allele origin: germline.
Comment: This sequence change replaces threonine, which is neutral and polar, with isoleucine, which is neutral and non-polar, at codon 851 of the MKL1 protein (p.Thr851Ile). This variant is present in population databases (rs146731409, gnomAD 0.01%). This variant has not been reported in the literature in individuals affected with MKL1-related conditions. ClinVar contains an entry for this variant (Variation ID: 2195181). An algorithm developed to predict the effect of missense changes on protein structure and function (PolyPhen-2) suggests that this variant is likely to be tolerated. In summary, the available evidence is currently insufficient to determine the role of this variant in disease. Therefore, it has been classified as a Variant of Uncertain Significance.

NM_020831.6(MRTFA):c.2852C>T (p.Thr951Ile)

Gene: MRTFA (myocardin related transcription factor A; minus strand). Cytogenetic location: 22q13.1.
Variant type: single nucleotide variant.
Coding change: c.2852C>T on transcript NM_020831.6 (MANE Select); coding-DNA position 2852, C replaced by T.
Protein change: p.Thr951Ile; replaces threonine 951 with isoleucine.
Molecular consequence: missense variant. On other transcripts: 3 prime UTR variant (1).
Genome position (GRCh38, 1-based): chr22:40,411,634, G>A on the plus strand (C>T on the coding strand, the complement: MRTFA is on the minus strand). VCF-style: chr22-40411634-G-A. GRCh37 (hg19) VCF-style: chr22-40807638-G-A.
Other names: c.2552C>T, p.Thr851Ile (NM_001282660.2); c.2702C>T, p.Thr901Ile (NM_001282661.3); c.*165C>T (NM_001282662.3); c.2657C>T, p.Thr886Ile (NM_001318139.2); short protein forms T886I, T901I, T851I, T951I.
Identifiers: ClinVar variation 2195181 (VCV002195181.4), dbSNP rs146731409, ClinGen allele CA324458234.